The following is an entry in ClinVar:

ClinVar aggregate classification (germline): Uncertain significance (0 of 4 stars; one submission).

Conditions:
PLXNA2-related disorder. Also called: PLXNA2-related condition.

gnomAD v4.1: 34 of 1,614,116 alleles (0.0021%); highest among the groups gnomAD compares: Middle Eastern, 0.049%; no homozygotes.

Submission:

PreventionGenetics, part of Exact Sciences
Classification: Uncertain significance for PLXNA2-related condition. Last evaluated: 2024-08-13. Review status: no assertion criteria provided. Collection method: clinical testing. Allele origin: germline.
Comment: The PLXNA2 c.2170G>A variant is predicted to result in the amino acid substitution p.Ala724Thr. To our knowledge, this variant has not been reported in the literature. This variant is reported in 0.0033% of alleles in individuals of South Asian descent in gnomAD. At this time, the clinical significance of this variant is uncertain due to the absence of conclusive functional and genetic evidence.

NM_025179.4(PLXNA2):c.2170G>A (p.Ala724Thr)

Gene: PLXNA2 (plexin A2; minus strand). Cytogenetic location: 1q32.2.
Variant type: single nucleotide variant.
Coding change: c.2170G>A on transcript NM_025179.4 (MANE Select); coding-DNA position 2170, G replaced by A.
Protein change: p.Ala724Thr; replaces alanine 724 with threonine.
Molecular consequence: missense variant.
Genome position (GRCh38, 1-based): chr1:208,084,508, C>T on the plus strand (G>A on the coding strand, the complement: PLXNA2 is on the minus strand). VCF-style: chr1-208084508-C-T. GRCh37 (hg19) VCF-style: chr1-208257853-C-T.
Other names: short protein forms A724T.
Identifiers: ClinVar variation 3351613 (VCV003351613.1).